The following is an entry in ClinVar:

NM_000051.4(ATM):c.8252C>T (p.Thr2751Ile)

Genes: ATM (ATM serine/threonine kinase; plus strand), C11orf65 (chromosome 11 open reading frame 65; minus strand). Cytogenetic location: 11q22.3.
Variant type: single nucleotide variant.
Coding change: c.8252C>T on transcript NM_000051.4 (MANE Select); coding-DNA position 8252, C replaced by T.
Protein change: p.Thr2751Ile; replaces threonine 2751 with isoleucine.
Molecular consequence: missense variant. On other transcripts: intron variant (2).
Genome position (GRCh38, 1-based): chr11:108,335,945, C>T. VCF-style: chr11-108335945-C-T. GRCh37 (hg19) VCF-style: chr11-108206672-C-T.
Other names: c.8252C>T, p.Thr2751Ile (NM_001351834.2); c.641-26874G>A (NM_001330368.2); c.695-653G>A (NM_001351110.2); short protein forms T2751I.
Identifiers: ClinVar variation 3720484 (VCV003720484.2).

ClinVar aggregate classification (germline): Uncertain significance (1 of 4 stars; one submission).

Conditions:
Ataxia-telangiectasia syndrome (AT). Also called: Ataxia-telangiectasia, complementation group D; AT, COMPLEMENTATION GROUP C; ATAXIA-TELANGIECTASIA, COMPLEMENTATION GROUP A; ATAXIA-TELANGIECTASIA, FRESNO VARIANT; Ataxia-telangiectasia; Ataxia-telangiectasia, complementation group E. Identifiers: Orphanet 100, MedGen C0004135, MONDO:0008840, OMIM 208900.

gnomAD v4.1: 1 of 1,609,342 alleles (0.000062%); highest among the groups gnomAD compares: South Asian, 0.0011%; no homozygotes.

Submission:

Labcorp Genetics (formerly Invitae), Labcorp
Classification: Uncertain significance for Ataxia-telangiectasia syndrome. Last evaluated: 2025-01-23. Review status: criteria provided, single submitter. Criteria: Invitae Variant Classification Sherloc (09022015). Collection method: clinical testing. Allele origin: germline.
Comment: This sequence change replaces threonine, which is neutral and polar, with isoleucine, which is neutral and non-polar, at codon 2751 of the ATM protein (p.Thr2751Ile). This variant is not present in population databases (gnomAD no frequency). This variant has not been reported in the literature in individuals affected with ATM-related conditions. Invitae Evidence Modeling of protein sequence and biophysical properties (such as structural, functional, and spatial information, amino acid conservation, physicochemical variation, residue mobility, and thermodynamic stability) indicates that this missense variant is not expected to disrupt ATM protein function with a negative predictive value of 95%. In summary, the available evidence is currently insufficient to determine the role of this variant in disease. Therefore, it has been classified as a Variant of Uncertain Significance.